The following is an entry in ClinVar:

NM_172362.3(KCNH1):c.1468_1470del (p.Leu490del)

Gene: KCNH1 (potassium voltage-gated channel subfamily H member 1; minus strand). Cytogenetic location: 1q32.2.
Variant type: Deletion.
Coding change: c.1468_1470del on transcript NM_172362.3 (MANE Select); coding-DNA positions 1468 to 1470, 3 bases deleted (CTC; older notation c.1468_1470delCTC).
Protein change: p.Leu490del; deletes leucine 490.
Genome position (GRCh38, 1-based): chr1:210,804,159-210,804,161, GAG deleted on the plus strand (CTC on the coding strand, the reverse complement: KCNH1 is on the minus strand). VCF-style (leftmost placement, unchanged base first): chr1-210804158-AGAG-A. GRCh37 (hg19) VCF-style: chr1-210977500-AGAG-A.
Other names: c.1387_1389del, p.Leu463del (NM_002238.4); short protein forms L463del, L490del.
Identifiers: ClinVar variation 3656829 (VCV003656829.2).

ClinVar aggregate classification (germline): Uncertain significance (1 of 4 stars; one submission).

Submission:

Labcorp Genetics (formerly Invitae), Labcorp
Classification: Uncertain significance. Last evaluated: 2024-06-24. Review status: criteria provided, single submitter. Criteria: Invitae Variant Classification Sherloc (09022015). Collection method: clinical testing. Allele origin: germline.
Comment: This variant, c.1468_1470del, results in the deletion of 1 amino acid(s) of the KCNH1 protein (p.Leu490del), but otherwise preserves the integrity of the reading frame. This variant is not present in population databases (gnomAD no frequency). This variant has not been reported in the literature in individuals affected with KCNH1-related conditions. Experimental studies and prediction algorithms are not available or were not evaluated, and the functional significance of this variant is currently unknown. In summary, the available evidence is currently insufficient to determine the role of this variant in disease. Therefore, it has been classified as a Variant of Uncertain Significance.